The following is an entry in ClinVar:

ClinVar aggregate classification (germline): Uncertain significance. Review status: criteria provided, multiple submitters, no conflicts (2 of 4 stars). 2 submissions from 2 submitters: Uncertain significance (2). Last evaluated 2025-10-28.

Conditions:
Inborn genetic diseases. Identifiers: MedGen C0950123, MeSH D030342.
Myoclonic dystonia 11 (DYT11). Also called: Dystonia, alcohol responsive; Hereditary essential myoclonus; SGCE Myoclonus-Dystonia; Myoclonus-Dystonia; DYT-SGCE; Myoclonic dystonia. Identifiers: Orphanet 36899, MedGen C1834570, MONDO:0008044, OMIM 159900.

Allele frequency attached by ClinVar (database versions not stated): gnomAD 0.00001; TOPMed 0.00001; ExAC 0.00003; gnomAD exomes 0.00004 and 0.00007.
gnomAD v4.1: 105 of 1,613,910 alleles (0.0065%); highest among the groups gnomAD compares: Non-Finnish European, 0.0083%; no homozygotes.

Submissions (2):

Labcorp Genetics (formerly Invitae), Labcorp
Classification: Uncertain significance for Myoclonic dystonia 11. Last evaluated: 2025-10-28. Review status: criteria provided, single submitter. Criteria: Invitae Variant Classification Sherloc (09022015). Collection method: clinical testing. Allele origin: germline.
Comment: This sequence change replaces arginine, which is basic and polar, with histidine, which is basic and polar, at codon 195 of the SGCE protein (p.Arg195His). This variant is present in population databases (rs746331571, gnomAD 0.009%). This variant has not been reported in the literature in individuals affected with SGCE-related conditions. ClinVar contains an entry for this variant (Variation ID: 970245). Invitae Evidence Modeling of protein sequence and biophysical properties (such as structural, functional, and spatial information, amino acid conservation, physicochemical variation, residue mobility, and thermodynamic stability) indicates that this missense variant is not expected to disrupt SGCE protein function with a negative predictive value of 80%. In summary, the available evidence is currently insufficient to determine the role of this variant in disease. Therefore, it has been classified as a Variant of Uncertain Significance.

Ambry Genetics
Classification: Uncertain significance for Inborn genetic diseases. Last evaluated: 2025-08-12. Review status: criteria provided, single submitter. Criteria: Ambry Variant Classification Scheme 2023. Collection method: clinical testing. Allele origin: germline.

NM_003919.3(SGCE):c.584G>A (p.Arg195His)

Genes: CASD1 (CAS1 domain sialic acid O acetyltransferase 1; plus strand), SGCE (sarcoglycan epsilon; minus strand). Cytogenetic location: 7q21.3.
Variant type: single nucleotide variant.
Coding change: c.584G>A on transcript NM_003919.3 (MANE Select); coding-DNA position 584, G replaced by A.
Protein change: p.Arg195His; replaces arginine 195 with histidine.
Molecular consequence: missense variant.
Genome position (GRCh38, 1-based): chr7:94,618,836, C>T on the plus strand (G>A on the coding strand, the complement: SGCE is on the minus strand). VCF-style: chr7-94618836-C-T. GRCh37 (hg19) VCF-style: chr7-94248148-C-T.
Other names: c.584G>A, p.Arg195His (NM_001099400.2, NM_001099401.2, NM_001346717.2); c.461G>A, p.Arg154His (NM_001301139.2, NM_001362809.2); c.692G>A, p.Arg231His (NM_001346713.2, NM_001346715.2); c.497G>A, p.Arg166His (NM_001346719.2, NM_001362807.2); c.311G>A, p.Arg104His (NM_001346720.2, NM_001362808.2); short protein forms R154H, R166H, R231H, R104H, R195H.
Identifiers: ClinVar variation 970245 (VCV000970245.12), dbSNP rs746331571, ClinGen allele CA4348765.